The following is an entry in ClinVar:

ClinVar aggregate classification (germline): Uncertain significance (1 of 4 stars; one submission).

Submission:

Dasa
Classification: Uncertain significance. Last evaluated: 2025-10-15. Review status: criteria provided, single submitter. Criteria: DASA Assertion Criteria. Collection method: clinical testing. Allele origin: germline.
Comment: NM_002691.4(POLD1):c.1949C>T (p.Ser650Leu) is a missense variant that results in the substitution of serine with leucine. This variant is absent from population databases. The currently available literature and clinical evidence are not sufficient to establish a definitive association between this variant and the reported condition. Therefore, this variant is classified as a variant of uncertain significance.

NM_002691.4(POLD1):c.1949C>T (p.Ser650Leu)

Gene: POLD1 (DNA polymerase delta 1, catalytic subunit; plus strand). Cytogenetic location: 19q13.33.
Variant type: single nucleotide variant.
Coding change: c.1949C>T on transcript NM_002691.4 (MANE Select); coding-DNA position 1949, C replaced by T.
Protein change: p.Ser650Leu; replaces serine 650 with leucine.
Molecular consequence: missense variant. On other transcripts: non-coding transcript variant (1).
Genome position (GRCh38, 1-based): chr19:50,409,178, C>T. VCF-style: chr19-50409178-C-T. GRCh37 (hg19) VCF-style: chr19-50912435-C-T.
Other names: c.1949C>T, p.Ser650Leu (NM_001256849.1, NM_001438210.1, NM_001438211.1 and 2 more transcripts); c.2027C>T, p.Ser676Leu (NM_001308632.1); short protein forms S650L, S676L.
Identifiers: ClinVar variation 4886148 (VCV004886148.2).